The following is an entry in ClinVar:

ClinVar aggregate classification (germline): Uncertain significance (1 of 4 stars; one submission).

Conditions:
Nemaline myopathy 2 (NEM2). Also called: Nemaline myopathy 2, autosomal recessive. Identifiers: MedGen C1850569, MONDO:0009725, OMIM 256030.

Allele frequency attached by ClinVar (database versions not stated): gnomAD exomes below 0.00001; ExAC 0.00001.
gnomAD v4.1: 2 of 1,613,652 alleles (0.00012%); highest among the groups gnomAD compares: Non-Finnish European, 0.00017%; no homozygotes.

Submission:

Labcorp Genetics (formerly Invitae), Labcorp
Classification: Uncertain significance for Nemaline myopathy 2. Last evaluated: 2020-12-01. Review status: criteria provided, single submitter. Criteria: Invitae Variant Classification Sherloc (09022015). Collection method: clinical testing. Allele origin: germline.
Comment: This sequence change replaces aspartic acid with valine at codon 1107 of the NEB protein (p.Asp1107Val). The aspartic acid residue is moderately conserved and there is a large physicochemical difference between aspartic acid and valine. This variant is present in population databases (rs749185640, ExAC 0.002%). This variant has not been reported in the literature in individuals with NEB-related conditions. Algorithms developed to predict the effect of missense changes on protein structure and function are either unavailable or do not agree on the potential impact of this missense change (SIFT: "Deleterious"; PolyPhen-2: "Not Available"; Align-GVGD: "Class C0"). In summary, the available evidence is currently insufficient to determine the role of this variant in disease. Therefore, it has been classified as a Variant of Uncertain Significance.

NM_001164508.2(NEB):c.3320A>T (p.Asp1107Val)

Gene: NEB (nebulin; minus strand). Cytogenetic location: 2q23.3.
Variant type: single nucleotide variant.
Coding change: c.3320A>T on transcript NM_001164508.2 (MANE Select); coding-DNA position 3320, A replaced by T.
Protein change: p.Asp1107Val; replaces aspartic acid 1107 with valine.
Molecular consequence: missense variant.
Genome position (GRCh38, 1-based): chr2:151,678,123, T>A on the plus strand (A>T on the coding strand, the complement: NEB is on the minus strand). VCF-style: chr2-151678123-T-A. GRCh37 (hg19) VCF-style: chr2-152534637-T-A.
Other names: c.3320A>T, p.Asp1107Val (NM_001164507.2, NM_001271208.2, NM_004543.5); short protein forms D1107V.
Identifiers: ClinVar variation 1990207 (VCV001990207.1), dbSNP rs749185640, ClinGen allele CA1910931.